The following is an entry in ClinVar:

ClinVar aggregate classification (germline): Uncertain significance (1 of 4 stars; one submission).

Submission:

Labcorp Genetics (formerly Invitae), Labcorp
Classification: Uncertain significance. Last evaluated: 2024-11-02. Review status: criteria provided, single submitter. Criteria: Invitae Variant Classification Sherloc (09022015). Collection method: clinical testing. Allele origin: germline.
Comment: This sequence change replaces isoleucine, which is neutral and non-polar, with valine, which is neutral and non-polar, at codon 71 of the CD46 protein (p.Ile71Val). Information on the frequency of this variant in the gnomAD database is not available, as this variant may be reported differently in the database. This variant has not been reported in the literature in individuals affected with CD46-related conditions. ClinVar contains an entry for this variant (Variation ID: 2847196). Experimental studies and prediction algorithms are not available or were not evaluated, and the functional significance of this variant is currently unknown. In summary, the available evidence is currently insufficient to determine the role of this variant in disease. Therefore, it has been classified as a Variant of Uncertain Significance.

NM_172351.3(CD46):c.210_211delinsCG (p.Ile71Val)

Gene: CD46 (CD46 molecule; plus strand). Cytogenetic location: 1q32.2.
Variant type: Indel.
Coding change: c.210_211delinsCG on transcript NM_172351.3 (MANE Select); coding-DNA positions 210 to 211, TA replaced by CG.
Protein change: p.Ile71Val; replaces isoleucine 71 with valine.
Molecular consequence: missense variant.
Genome position (GRCh38, 1-based): chr1:207,757,126-207,757,127, TA replaced by CG. VCF-style: chr1-207757126-TA-CG. GRCh37 (hg19) VCF-style: chr1-207930471-TA-CG.
Other names: c.210_211delinsCG, p.Ile71Val (NM_002389.4, NM_153826.4, NM_172350.3 and 8 more transcripts); short protein forms I71V.
Identifiers: ClinVar variation 2847196 (VCV002847196.3), dbSNP rs2526401348, ClinGen allele CA2739275551.
Genomic context (GRCh38, chr1:207,757,126, plus strand): 5'-AAAACCCTACTATGAGATTGGTGAACGAGTAGATTATAAGTGTAAAAAAGGATACTTCTA[TA>CG]TACCTCCTCTTGCCACCCATACTATTTGTGATCGGAATCATACATGGCTACCTGTCTCAG-3'
Protein context (NP_758861.1, residues 61-81): DYKCKKGYFY[Ile71Val]PPLATHTICD